The following is an entry in ClinVar:

ClinVar aggregate classification (germline): Uncertain significance. Review status: criteria provided, multiple submitters, no conflicts (2 of 4 stars). 2 submissions from 2 submitters: Uncertain significance (2). Last evaluated 2022-07-05.

Conditions:
Cortical dysplasia-focal epilepsy syndrome (PTHSL1). Also called: Pitt-Hopkins-like syndrome 1. Identifiers: Orphanet 163681, Orphanet 221150, MedGen C2750246, MONDO:0012400, OMIM 610042.

Allele frequency attached by ClinVar (database versions not stated): gnomAD 0.00001; gnomAD exomes 0.00001; TOPMed 0.00002.
gnomAD v4.1: 62 of 1,613,290 alleles (0.0038%); highest among the groups gnomAD compares: Non-Finnish European, 0.0047%; no homozygotes.

Submissions (2):

Labcorp Genetics (formerly Invitae), Labcorp
Classification: Uncertain significance for Cortical dysplasia-focal epilepsy syndrome. Last evaluated: 2022-07-05. Review status: criteria provided, single submitter. Criteria: Invitae Variant Classification Sherloc (09022015). Collection method: clinical testing. Allele origin: germline.
Comment: This sequence change falls in intron 13 of the CNTNAP2 gene. It does not directly change the encoded amino acid sequence of the CNTNAP2 protein. It affects a nucleotide within the consensus splice site. This variant is present in population databases (no rsID available, gnomAD 0.003%). This variant has not been reported in the literature in individuals affected with CNTNAP2-related conditions. ClinVar contains an entry for this variant (Variation ID: 1477825). Variants that disrupt the consensus splice site are a relatively common cause of aberrant splicing (PMID: 17576681, 9536098). Algorithms developed to predict the effect of sequence changes on RNA splicing suggest that this variant may create or strengthen a splice site. In summary, the available evidence is currently insufficient to determine the role of this variant in disease. Therefore, it has been classified as a Variant of Uncertain Significance.

MGZ Medical Genetics Center
Classification: Uncertain significance for Cortical dysplasia-focal epilepsy syndrome. Last evaluated: 2021-06-29. Review status: criteria provided, single submitter. Criteria: ACMG Guidelines, 2015. Collection method: clinical testing. Allele origin: germline. Affected: yes. Observed: 1 variant allele.
Comment: ACMG criteria applied: PM2_SUP, PP3

Literature cited by the submitters: PubMed 17576681 (cited by Labcorp Genetics (formerly Invitae), Labcorp); PubMed 9536098 (cited by Labcorp Genetics (formerly Invitae), Labcorp).

NM_014141.6(CNTNAP2):c.2098+5G>A

Gene: CNTNAP2 (contactin associated protein 2; plus strand). Cytogenetic location: 7q35.
Variant type: single nucleotide variant.
Coding change: c.2098+5G>A on transcript NM_014141.6 (MANE Select); 5 bases into the intron after coding-DNA position 2098, G replaced by A.
Molecular consequence: intron variant.
Genome position (GRCh38, 1-based): chr7:147,639,311, G>A. VCF-style: chr7-147639311-G-A. GRCh37 (hg19) VCF-style: chr7-147336403-G-A.
Identifiers: ClinVar variation 1477825 (VCV001477825.6), dbSNP rs994335919, ClinGen allele CA168754371.